The following is an entry in ClinVar:

ClinVar aggregate classification (germline): Uncertain significance (1 of 4 stars; one submission).

Submission:

Labcorp Genetics (formerly Invitae), Labcorp
Classification: Uncertain significance. Last evaluated: 2022-12-01. Review status: criteria provided, single submitter. Criteria: Invitae Variant Classification Sherloc (09022015). Collection method: clinical testing. Allele origin: germline.
Comment: This sequence change replaces histidine, which is basic and polar, with tyrosine, which is neutral and polar, at codon 691 of the NLRP1 protein (p.His691Tyr). This variant is not present in population databases (gnomAD no frequency). This variant has not been reported in the literature in individuals affected with NLRP1-related conditions. In summary, the available evidence is currently insufficient to determine the role of this variant in disease. Therefore, it has been classified as a Variant of Uncertain Significance. Algorithms developed to predict the effect of missense changes on protein structure and function (SIFT, PolyPhen-2, Align-GVGD) all suggest that this variant is likely to be tolerated. ClinVar contains an entry for this variant (Variation ID: 1717184).

NM_033004.4(NLRP1):c.2071C>T (p.His691Tyr)

Gene: NLRP1 (NLR family pyrin domain containing 1; minus strand). Cytogenetic location: 17p13.2.
Variant type: single nucleotide variant.
Coding change: c.2071C>T on transcript NM_033004.4 (MANE Select); coding-DNA position 2071, C replaced by T.
Protein change: p.His691Tyr; replaces histidine 691 with tyrosine.
Molecular consequence: missense variant.
Genome position (GRCh38, 1-based): chr17:5,558,625, G>A on the plus strand (C>T on the coding strand, the complement: NLRP1 is on the minus strand). VCF-style: chr17-5558625-G-A. GRCh37 (hg19) VCF-style: chr17-5461945-G-A.
Other names: c.2071C>T, p.His691Tyr (NM_001033053.3, NM_014922.5, NM_033006.4 and 1 more transcripts); short protein forms H691Y.
Identifiers: ClinVar variation 1717184 (VCV001717184.5), dbSNP rs2507936164, ClinGen allele CA397383882.
Genomic context (GRCh38, chr17:5,558,625, plus strand): 5'-GCAGCAGCTGCAGGGACGGGACCCACTGCATCAGGTTCCTCCCCTGAGACAGCCGGCAGT[G>A]AAAGATGTTCTCCATCTCTCTCTCCCCCTCATCACTTAACAGGCCCAATAGGAAACGTGT-3'
Protein context (NP_127497.1, residues 681-701): EGEREMENIF[His691Tyr]CRLSQGRNLM